The following is an entry in ClinVar:

ClinVar aggregate classification (germline): Uncertain significance (1 of 4 stars; one submission).

gnomAD v4.1: 1 of 1,612,232 alleles (0.000062%); highest among the groups gnomAD compares: Non-Finnish European, 0.000085%; no homozygotes.

Submission:

GeneDx
Classification: Uncertain significance. Last evaluated: 2024-06-18. Review status: criteria provided, single submitter. Criteria: GeneDx Variant Classification Process June 2021. Collection method: clinical testing. Allele origin: germline. Affected: yes.
Comment: Not observed at significant frequency in large population cohorts (gnomAD); In silico analysis indicates that this missense variant does not alter protein structure/function; Has not been previously published as pathogenic or benign to our knowledge

NM_014974.3(DIP2C):c.2929C>G (p.Gln977Glu)

Gene: DIP2C (disco interacting protein 2 homolog C; minus strand). Cytogenetic location: 10p15.3.
Variant type: single nucleotide variant.
Coding change: c.2929C>G on transcript NM_014974.3 (MANE Select); coding-DNA position 2929, C replaced by G.
Protein change: p.Gln977Glu; replaces glutamine 977 with glutamic acid.
Molecular consequence: missense variant.
Genome position (GRCh38, 1-based): chr10:356,482, G>C on the plus strand (C>G on the coding strand, the complement: DIP2C is on the minus strand). VCF-style: chr10-356482-G-C. GRCh37 (hg19) VCF-style: chr10-402422-G-C.
Other names: short protein forms Q977E.
Identifiers: ClinVar variation 3391690 (VCV003391690.1).